The following is an entry in ClinVar:

NM_003244.4(TGIF1):c.244-119G>C

Gene: TGIF1 (TGFB induced factor homeobox 1; plus strand). Cytogenetic location: 18p11.31.
Variant type: single nucleotide variant.
Coding change: c.244-119G>C on transcript NM_003244.4 (MANE Select); 119 bases into the intron before coding-DNA position 244, G replaced by C.
Molecular consequence: intron variant.
Genome position (GRCh38, 1-based): chr18:3,457,246, G>C. VCF-style: chr18-3457246-G-C. GRCh37 (hg19) VCF-style: chr18-3457244-G-C.
Other names: c.184-119G>C (NM_174886.3, NM_001278686.3, NM_001374396.1 and 5 more transcripts); c.286-119G>C (NM_173207.4); c.253-119G>C (NM_001278682.2); c.244-119G>C (NM_173208.3, NM_001278684.2).
Identifiers: ClinVar variation 675046 (VCV000675046.2), dbSNP rs451488, ClinGen allele CA14555420.
Genomic context (GRCh38, chr18:3,457,246, plus strand): 5'-GTAGCTTGCTTTCTTGGCGGAGCTCAGATACCTTGAAATAACATTGTAAATTCAGATAAG[G>C]CTTTTCATGCTTTCTTTAATTCAGAGAGCAAGATCAATTAGGTACCCCATAGAACATTCT-3'

ClinVar aggregate classification (germline): Benign. Review status: criteria provided, multiple submitters, no conflicts (2 of 4 stars). 2 submissions from 2 submitters: Benign (2). Last evaluated 2018-06-14.

Allele frequency attached by ClinVar (database versions not stated): gnomAD 0.19653 and 0.20119; TOPMed 0.21280; 1000 Genomes Project 0.24581; 1000 Genomes Project 30x 0.24735.
gnomAD v4.1: 121,460 of 1,116,100 alleles (11%); highest among the groups gnomAD compares: African/African-American, 48%; 12,576 homozygotes.

Submissions (2):

GeneDx
Classification: Benign. Last evaluated: 2018-06-14. Review status: criteria provided, single submitter. Criteria: GeneDx Variant Classification (06012015). Collection method: clinical testing. Allele origin: germline. Affected: yes.
Comment: This variant is considered likely benign or benign based on one or more of the following criteria: it is a conservative change, it occurs at a poorly conserved position in the protein, it is predicted to be benign by multiple in silico algorithms, and/or has population frequency not consistent with disease.

Breakthrough Genomics
Classification: Benign. Review status: criteria provided, single submitter. Criteria: ACMG Guidelines, 2015. Collection method: not provided. Allele origin: germline. Inheritance: Autosomal dominant inheritance. Affected: yes.